The following is an entry in ClinVar:

ClinVar aggregate classification (germline): Uncertain significance (1 of 4 stars; one submission).

Conditions:
Hereditary cancer-predisposing syndrome. Also called: Neoplastic Syndromes, Hereditary; Tumor predisposition; Hereditary neoplastic syndrome; Hereditary Cancer Syndrome. Identifiers: Orphanet 140162, MedGen C0027672, MeSH D009386, MONDO:0015356.

Submission:

Ambry Genetics
Classification: Uncertain significance for Hereditary cancer-predisposing syndrome. Last evaluated: 2026-08-29. Review status: criteria provided, single submitter. Criteria: Ambry Variant Classification Scheme 2023. Collection method: clinical testing. Allele origin: germline.
Comment: The p.L263H variant (also known as c.788T>A), located in coding exon 6 of the BRIP1 gene, results from a T to A substitution at nucleotide position 788. The leucine at codon 263 is replaced by histidine, an amino acid with similar properties. This amino acid position is conserved. In addition, this alteration is predicted to be deleterious by in silico analysis. Based on the available evidence, the clinical significance of this variant remains unclear.

NM_032043.3(BRIP1):c.788T>A (p.Leu263His)

Gene: BRIP1 (BRCA1 interacting DNA helicase 1; minus strand). Cytogenetic location: 17q23.2.
Variant type: single nucleotide variant.
Coding change: c.788T>A on transcript NM_032043.3 (MANE Select); coding-DNA position 788, T replaced by A.
Protein change: p.Leu263His; replaces leucine 263 with histidine.
Molecular consequence: missense variant.
Genome position (GRCh38, 1-based): chr17:61,808,597, A>T on the plus strand (T>A on the coding strand, the complement: BRIP1 is on the minus strand). VCF-style: chr17-61808597-A-T. GRCh37 (hg19) VCF-style: chr17-59885958-A-T.
Other names: short protein forms L263H.
Identifiers: ClinVar variation 5033460 (VCV005033460.1).
Genomic context (GRCh38, chr17:61,808,597, plus strand): 5'-CAAGTATGATCCCTGCTGGAAAGAATAGTCATTGGAACCCCTGAATATGCCGTCCTCCGG[A>T]GCTCTCTAGTAATCTGAGCAATCTGCTTGTGTGTGCGTGTCCCAAAATATATTTTGGGTA-3'
Protein context (NP_114432.2, residues 253-273): HKQIAQITRE[Leu263His]RRTAYSGVPM